The following is an entry in ClinVar:

ClinVar aggregate classification (germline): Uncertain significance (1 of 4 stars; one submission).

Conditions:
Ataxia-telangiectasia syndrome (AT). Also called: Ataxia-telangiectasia, complementation group E; ATAXIA-TELANGIECTASIA, COMPLEMENTATION GROUP A; ATAXIA-TELANGIECTASIA, FRESNO VARIANT; Ataxia-telangiectasia, complementation group D; AT, COMPLEMENTATION GROUP C; Ataxia-telangiectasia. Identifiers: Orphanet 100, MedGen C0004135, MONDO:0008840, OMIM 208900.

Submission:

Labcorp Genetics (formerly Invitae), Labcorp
Classification: Uncertain significance for Ataxia-telangiectasia syndrome. Last evaluated: 2024-11-11. Review status: criteria provided, single submitter. Criteria: Invitae Variant Classification Sherloc (09022015). Collection method: clinical testing. Allele origin: germline.
Comment: This sequence change replaces aspartic acid, which is acidic and polar, with asparagine, which is neutral and polar, at codon 588 of the ATM protein (p.Asp588Asn). This variant is not present in population databases (gnomAD no frequency). This variant has not been reported in the literature in individuals affected with ATM-related conditions. Invitae Evidence Modeling of protein sequence and biophysical properties (such as structural, functional, and spatial information, amino acid conservation, physicochemical variation, residue mobility, and thermodynamic stability) indicates that this missense variant is not expected to disrupt ATM protein function with a negative predictive value of 95%. In summary, the available evidence is currently insufficient to determine the role of this variant in disease. Therefore, it has been classified as a Variant of Uncertain Significance.

NM_000051.4(ATM):c.1762G>A (p.Asp588Asn)

Gene: ATM (ATM serine/threonine kinase; plus strand). Cytogenetic location: 11q22.3.
Variant type: single nucleotide variant.
Coding change: c.1762G>A on transcript NM_000051.4 (MANE Select); coding-DNA position 1762, G replaced by A.
Protein change: p.Asp588Asn; replaces aspartic acid 588 with asparagine.
Molecular consequence: missense variant.
Genome position (GRCh38, 1-based): chr11:108,251,991, G>A. VCF-style: chr11-108251991-G-A. GRCh37 (hg19) VCF-style: chr11-108122718-G-A.
Other names: c.1762G>A, p.Asp588Asn (NM_001351834.2); short protein forms D588N.
Identifiers: ClinVar variation 3704419 (VCV003704419.2).